The following is an entry in ClinVar:

NM_001709.5(BDNF):c.-21-15592C>T

Genes: BDNF (brain derived neurotrophic factor; minus strand), BDNF-AS (BDNF antisense RNA; plus strand). Cytogenetic location: 11p14.1.
Variant type: single nucleotide variant.
Coding change: c.-21-15592C>T on transcript NM_001709.5 (MANE Select); 15592 bases into the intron before 21 bases upstream of the start codon, C replaced by T.
Molecular consequence: intron variant. On other transcripts: synonymous variant (1), 5 prime UTR variant (1).
Genome position (GRCh38, 1-based): chr11:27,674,177, G>A on the plus strand (C>T on the coding strand, the complement: BDNF is on the minus strand). VCF-style: chr11-27674177-G-A. GRCh37 (hg19) VCF-style: chr11-27695724-G-A.
Other names: c.108C>T, p.Gly36= (NM_001143810.2); c.-256C>T (NM_001143811.2); c.4-15592C>T (NM_170731.5); c.-21-15592C>T (NM_001143805.1, NM_001143806.1, NM_170732.4 and 5 more transcripts); c.67-15592C>T (NM_001143809.2); c.-128-15251C>T (NM_001143814.2); c.25-15592C>T (NM_170734.4).
Identifiers: ClinVar variation 3030133 (VCV003030133.2), dbSNP rs144776617, ClinGen allele CA5929193.

ClinVar aggregate classification (germline): Likely benign (0 of 4 stars; one submission).

Conditions:
BDNF-related disorder. Also called: BDNF-related condition.

Allele frequency attached by ClinVar (database versions not stated): gnomAD 0.00001; gnomAD exomes 0.00001; TOPMed 0.00002; ExAC 0.00005; 1000 Genomes Project 30x 0.00031; 1000 Genomes Project 0.00040.
gnomAD v4.1: 14 of 1,608,676 alleles (0.00087%); highest among the groups gnomAD compares: East Asian, 0.02%; no homozygotes.

Submission:

PreventionGenetics, part of Exact Sciences
Classification: Likely benign for BDNF-related condition. Last evaluated: 2022-02-08. Review status: no assertion criteria provided. Collection method: clinical testing. Allele origin: germline.
Comment: This variant is classified as likely benign based on ACMG/AMP sequence variant interpretation guidelines (Richards et al. 2015 PMID: 25741868, with internal and published modifications).